The following is an entry in ClinVar:

ClinVar aggregate classification (germline): Uncertain significance (1 of 4 stars; one submission).

Submission:

Labcorp Genetics (formerly Invitae), Labcorp
Classification: Uncertain significance. Last evaluated: 2025-03-20. Review status: criteria provided, single submitter. Criteria: Invitae Variant Classification Sherloc (09022015). Collection method: clinical testing. Allele origin: germline.
Comment: This sequence change affects a donor splice site in intron 9 of the DVL3 gene. It is expected to disrupt RNA splicing. Variants that disrupt the donor or acceptor splice site typically lead to a loss of protein function (PMID: 16199547), however the current clinical and genetic evidence is not sufficient to establish whether loss-of-function variants in DVL3 cause disease. This variant is not present in population databases (gnomAD no frequency). This variant has not been reported in the literature in individuals affected with DVL3-related conditions. Algorithms developed to predict the effect of sequence changes on RNA splicing suggest that this variant may disrupt the consensus splice site. In summary, the available evidence is currently insufficient to determine the role of this variant in disease. Therefore, it has been classified as a Variant of Uncertain Significance.

Literature cited by the submitters: PubMed 16199547.

NM_004423.4(DVL3):c.980+1G>A

Gene: DVL3 (dishevelled segment polarity protein 3; plus strand). Cytogenetic location: 3q27.1.
Variant type: single nucleotide variant.
Coding change: c.980+1G>A on transcript NM_004423.4 (MANE Select); the canonical splice donor site of the intron after coding-DNA position 980, G replaced by A.
Molecular consequence: splice donor variant.
Genome position (GRCh38, 1-based): chr3:184,166,523, G>A. VCF-style: chr3-184166523-G-A. GRCh37 (hg19) VCF-style: chr3-183884311-G-A.
Identifiers: ClinVar variation 4715533 (VCV004715533.1).
Genomic context (GRCh38, chr3:184,166,523, plus strand): 5'-TGAGAACATGAGTAATGACGATGCAGTCCGGGTACTGCGGGAGATTGTGCACAAACCGGG[G>A]TATGGATGGAATGGGGCACTGGGCAAGGGGCTTGGTCTGGCCTATACGCATCCTGCCTTC-3'